The following is an entry in ClinVar:

ClinVar aggregate classification (germline): Pathogenic (1 of 4 stars; one submission).

Conditions:
Autosomal recessive limb-girdle muscular dystrophy type 2A (LGMDR1). Also called: Limb-girdle muscular dystrophy, type 2A; Calpainopathy; Muscular dystrophy, limb-girdle, type 2A, Amish; LEYDEN-MOEBIUS MUSCULAR DYSTROPHY; MUSCULAR DYSTROPHY, PELVOFEMORAL. Identifiers: Orphanet 267, MedGen C1869123, MONDO:0009675, OMIM 253600. Disease mechanism: loss of function.

Submission:

Labcorp Genetics (formerly Invitae), Labcorp
Classification: Pathogenic for Autosomal recessive limb-girdle muscular dystrophy type 2A. Last evaluated: 2022-02-14. Review status: criteria provided, single submitter. Criteria: Invitae Variant Classification Sherloc (09022015). Collection method: clinical testing. Allele origin: germline.
Comment: For these reasons, this variant has been classified as Pathogenic. This variant has not been reported in the literature in individuals affected with CAPN3-related conditions. This variant is a gross deletion of the genomic region encompassing exon(s) 2-9 of the CAPN3 gene. This deletion is out-of-frame, and is expected to create a premature termination codon and result in an absent or disrupted protein product. Loss-of-function variants in CAPN3 are known to be pathogenic (PMID: 10330340, 15689361).

Literature cited by the submitters: PubMed 10330340; PubMed 15689361.

NC_000015.9:g.(?_42676671)_(42689085_?)del

Gene: CAPN3 (calpain 3; plus strand). Cytogenetic location: 15q15.1.
Variant type: Deletion.
Identifiers: ClinVar variation 2422297 (VCV002422297.6).